The following is an entry in ClinVar:

NM_000528.4(MAN2B1):c.100C>A (p.Pro34Thr)

Gene: MAN2B1 (mannosidase alpha class 2B member 1; minus strand). Cytogenetic location: 19p13.13.
Variant type: single nucleotide variant.
Coding change: c.100C>A on transcript NM_000528.4 (MANE Select); coding-DNA position 100, C replaced by A.
Protein change: p.Pro34Thr; replaces proline 34 with threonine.
Molecular consequence: missense variant.
Genome position (GRCh38, 1-based): chr19:12,666,602, G>T on the plus strand (C>A on the coding strand, the complement: MAN2B1 is on the minus strand). VCF-style: chr19-12666602-G-T. GRCh37 (hg19) VCF-style: chr19-12777416-G-T.
Other names: c.100C>A, p.Pro34Thr (NM_001173498.2); short protein forms P34T.
Identifiers: ClinVar variation 2199661 (VCV002199661.2), dbSNP rs900272650, ClinGen allele CA404260636.

ClinVar aggregate classification (germline): Uncertain significance (1 of 4 stars; one submission).

Conditions:
Deficiency of alpha-mannosidase (MANSA). Also called: LYSOSOMAL ALPHA-D-MANNOSIDASE DEFICIENCY; Mannosidosis, alpha-, types I and II; Alpha-Mannosidosis. Identifiers: Orphanet 61, MedGen C0024748, MONDO:0009561, OMIM 248500.

Submission:

Labcorp Genetics (formerly Invitae), Labcorp
Classification: Uncertain significance for Deficiency of alpha-mannosidase. Last evaluated: 2024-10-22. Review status: criteria provided, single submitter. Criteria: Invitae Variant Classification Sherloc (09022015). Collection method: clinical testing. Allele origin: germline.
Comment: This sequence change replaces proline, which is neutral and non-polar, with threonine, which is neutral and polar, at codon 34 of the MAN2B1 protein (p.Pro34Thr). This variant is present in population databases (no rsID available, gnomAD 0.006%). This variant has not been reported in the literature in individuals affected with MAN2B1-related conditions. ClinVar contains an entry for this variant (Variation ID: 2199661). Invitae Evidence Modeling of protein sequence and biophysical properties (such as structural, functional, and spatial information, amino acid conservation, physicochemical variation, residue mobility, and thermodynamic stability) indicates that this missense variant is not expected to disrupt MAN2B1 protein function with a negative predictive value of 95%. In summary, the available evidence is currently insufficient to determine the role of this variant in disease. Therefore, it has been classified as a Variant of Uncertain Significance.